The following is an entry in ClinVar:

ClinVar aggregate classification (germline): Uncertain significance. Review status: criteria provided, multiple submitters, no conflicts (2 of 4 stars). 7 submissions from 5 submitters: Uncertain significance (7). Last evaluated 2024-02-14.

Conditions:
Inborn genetic diseases. Identifiers: MedGen C0950123, MeSH D030342.
Cone-rod dystrophy 13 (CORD13). Identifiers: Orphanet 1872, MedGen C2750720, MONDO:0011987, OMIM 608194.
Leber congenital amaurosis 6 (LCA6). Identifiers: Orphanet 65, MedGen C1854260, MONDO:0013446, OMIM 613826.

Allele frequency attached by ClinVar (database versions not stated): gnomAD 0.00001; gnomAD exomes 0.00001 and 0.00002; ExAC 0.00002; TOPMed 0.00002.
gnomAD v4.1: 22 of 1,613,870 alleles (0.0014%); highest among the groups gnomAD compares: South Asian, 0.0088%; no homozygotes.

Submissions (7):

Labcorp Genetics (formerly Invitae), Labcorp
Classification: Uncertain significance for Leber congenital amaurosis 6; Cone-rod dystrophy 13. Last evaluated: 2024-02-14. Review status: criteria provided, single submitter. Criteria: Invitae Variant Classification Sherloc (09022015). Collection method: clinical testing. Allele origin: germline.
Comment: This sequence change replaces alanine, which is neutral and non-polar, with threonine, which is neutral and polar, at codon 641 of the RPGRIP1 protein (p.Ala641Thr). This variant is present in population databases (rs753575515, gnomAD 0.01%). This variant has not been reported in the literature in individuals affected with RPGRIP1-related conditions. ClinVar contains an entry for this variant (Variation ID: 312791). Advanced modeling of protein sequence and biophysical properties (such as structural, functional, and spatial information, amino acid conservation, physicochemical variation, residue mobility, and thermodynamic stability) performed at Invitae indicates that this missense variant is expected to disrupt RPGRIP1 protein function with a positive predictive value of 80%. In summary, the available evidence is currently insufficient to determine the role of this variant in disease. Therefore, it has been classified as a Variant of Uncertain Significance.

Blueprint Genetics
Classification: Uncertain significance. Last evaluated: 2022-08-26. Review status: criteria provided, single submitter. Criteria: ACMG Guidelines, 2015. Collection method: clinical testing. Allele origin: germline.

Genome-Nilou Lab
Classification: Uncertain significance for Leber congenital amaurosis 6. Last evaluated: 2021-11-07. Review status: criteria provided, single submitter. Criteria: ACMG Guidelines, 2015. Collection method: clinical testing. Allele origin: germline. Affected: no.

Genome-Nilou Lab
Classification: Uncertain significance for Cone-rod dystrophy 13. Last evaluated: 2021-11-07. Review status: criteria provided, single submitter. Criteria: ACMG Guidelines, 2015. Collection method: clinical testing. Allele origin: germline. Affected: no.

Ambry Genetics
Classification: Uncertain significance for Inborn genetic diseases. Last evaluated: 2021-07-09. Review status: criteria provided, single submitter. Criteria: Ambry Variant Classification Scheme 2023. Collection method: clinical testing. Allele origin: germline.

Illumina Laboratory Services, Illumina
Classification: Uncertain significance for Leber congenital amaurosis 6. Last evaluated: 2018-01-13. Review status: criteria provided, single submitter. Criteria: ICSL Variant Classification Criteria 13 December 2019. Collection method: clinical testing. Allele origin: germline.

Illumina Laboratory Services, Illumina
Classification: Uncertain significance for Cone-rod dystrophy 13. Last evaluated: 2018-01-13. Review status: criteria provided, single submitter. Criteria: ICSL Variant Classification Criteria 13 December 2019. Collection method: clinical testing. Allele origin: germline.

NM_020366.4(RPGRIP1):c.1921G>A (p.Ala641Thr)

Gene: RPGRIP1 (RPGR interacting protein 1; plus strand). Cytogenetic location: 14q11.2.
Variant type: single nucleotide variant.
Coding change: c.1921G>A on transcript NM_020366.4 (MANE Select); coding-DNA position 1921, G replaced by A.
Protein change: p.Ala641Thr; replaces alanine 641 with threonine.
Molecular consequence: missense variant. On other transcripts: intron variant (4).
Genome position (GRCh38, 1-based): chr14:21,324,776, G>A. VCF-style: chr14-21324776-G-A. GRCh37 (hg19) VCF-style: chr14-21792935-G-A.
Other names: c.847G>A, p.Ala283Thr (NM_001377948.1); c.796+51G>A (NM_001377949.1); c.688+2772G>A (NM_001377523.1, NM_001377950.1); c.190+2772G>A (NM_001377951.1); short protein forms A641T, A283T.
Identifiers: ClinVar variation 312791 (VCV000312791.14), dbSNP rs753575515, ClinGen allele CA7089122.